The following is an entry in ClinVar:

ClinVar aggregate classification (germline): Likely benign (1 of 4 stars; one submission).

gnomAD v4.1: 2 of 1,593,894 alleles (0.00013%); highest among the groups gnomAD compares: Non-Finnish European, 0.00017%; no homozygotes.

Submission:

Women's Health and Genetics/Laboratory Corporation of America, LabCorp
Classification: Likely benign. Last evaluated: 2026-06-10. Review status: criteria provided, single submitter. Criteria: LabCorp Variant Classification Summary - May 2015. Collection method: clinical testing. Allele origin: germline.
Comment: Variant summary: SHH c.563-7C>T alters a nucleotide located at a position not widely known to affect splicing. Consensus agreement among computation tools predict no significant impact on normal splicing. However, these predictions have yet to be confirmed by functional studies. The variant was absent in 224838 control chromosomes. The available data on variant occurrences in the general population are insufficient to allow any conclusion about variant significance. To our knowledge, no occurrence of c.563-7C>T in individuals affected with SHH-related conditions and no experimental evidence demonstrating its impact on protein function have been reported. No submitters have cited clinical-significance assessments for this variant to ClinVar. Based on the evidence outlined above, the variant was classified as likely benign.

NM_000193.4(SHH):c.563-7C>T

Gene: SHH (sonic hedgehog signaling molecule; minus strand). Cytogenetic location: 7q36.3.
Variant type: single nucleotide variant.
Coding change: c.563-7C>T on transcript NM_000193.4 (MANE Select); 7 bases into the intron before coding-DNA position 563, C replaced by T.
Molecular consequence: intron variant.
Genome position (GRCh38, 1-based): chr7:155,803,733, G>A on the plus strand (C>T on the coding strand, the complement: SHH is on the minus strand). VCF-style: chr7-155803733-G-A. GRCh37 (hg19) VCF-style: chr7-155596427-G-A.
Other names: c.301+2563C>T (NM_001310462.2).
Identifiers: ClinVar variation 4887369 (VCV004887369.1).